The following is an entry in ClinVar:

NM_000441.2(SLC26A4):c.1321C>T (p.Leu441Phe)

Gene: SLC26A4 (solute carrier family 26 member 4; plus strand). Cytogenetic location: 7q22.3.
Variant type: single nucleotide variant.
Coding change: c.1321C>T on transcript NM_000441.2 (MANE Select); coding-DNA position 1321, C replaced by T.
Protein change: p.Leu441Phe; replaces leucine 441 with phenylalanine.
Molecular consequence: missense variant.
Genome position (GRCh38, 1-based): chr7:107,694,460, C>T. VCF-style: chr7-107694460-C-T. GRCh37 (hg19) VCF-style: chr7-107334905-C-T.
Other names: short protein forms L441F.
Identifiers: ClinVar variation 2574279 (VCV002574279.1), dbSNP rs772158573, ClinGen allele CA4432775.
Genomic context (GRCh38, chr7:107,694,460, plus strand): 5'-CAGGTTGCTGGCATCATCTCTGCTGCGATTGTGATGATCGCCATTCTTGCCCTGGGGAAG[C>T]TTCTGGAACCCTTGCAGAAGGTATAACCCTGCTTCTCTGCATACCGATTGCATAATTTCC-3'
Protein context (NP_000432.1, residues 431-451): VMIAILALGK[Leu441Phe]LEPLQKSVLA

ClinVar aggregate classification (germline): Uncertain significance (1 of 4 stars; one submission).

Allele frequency attached by ClinVar (database versions not stated): ExAC 0.00001; gnomAD 0.00001.
gnomAD v4.1: 1 of 1,613,398 alleles (0.000062%); highest among the groups gnomAD compares: Admixed American, 0.0017%; no homozygotes.

Submission:

GeneDx
Classification: Uncertain significance. Last evaluated: 2023-01-27. Review status: criteria provided, single submitter. Criteria: GeneDx Variant Classification Process June 2021. Collection method: clinical testing. Allele origin: germline. Affected: yes.
Comment: Not observed at significant frequency in large population cohorts (gnomAD); In silico analysis supports that this missense variant has a deleterious effect on protein structure/function; Has not been previously published as pathogenic or benign to our knowledge